The following is an entry in ClinVar:

NM_001540.5(HSPB1):c.452C>T (p.Thr151Ile)

Gene: HSPB1 (heat shock protein family B (small) member 1; plus strand). Cytogenetic location: 7q11.23.
Variant type: single nucleotide variant.
Coding change: c.452C>T on transcript NM_001540.5 (MANE Select); coding-DNA position 452, C replaced by T.
Protein change: p.Thr151Ile; replaces threonine 151 with isoleucine.
Molecular consequence: missense variant.
Genome position (GRCh38, 1-based): chr7:76,304,007, C>T. VCF-style: chr7-76304007-C-T. GRCh37 (hg19) VCF-style: chr7-75933324-C-T.
Other names: c.452C>T, p.Thr151Ile (LRG_248t1); short protein forms T151I.
Identifiers: ClinVar variation 7480 (VCV000007480.47), dbSNP rs28937568, ClinGen allele CA118824.

ClinVar aggregate classification (germline): Pathogenic/Likely pathogenic. Review status: criteria provided, multiple submitters, no conflicts (2 of 4 stars). 6 submissions from 6 submitters: Pathogenic (3); Likely pathogenic (2). 1 of the submissions does not count toward it. Last evaluated 2026-06-01.

Conditions:
HSPB1-related disorder. Also called: HSPB1-related condition; HSPB1-related disorders.
Charcot-Marie-Tooth disease. Also called: Charcot-Marie-Tooth Hereditary Neuropathy; Charcot-Marie-Tooth Neuropathy. Identifiers: Orphanet 166, MedGen C0007959, MONDO:0015626.
Charcot-Marie-Tooth disease axonal type 2F (CMT2F). Also called: CHARCOT-MARIE-TOOTH DISEASE, NEURONAL, TYPE 2F; Charcot-Marie-Tooth Neuropathy Type 2F. Identifiers: Orphanet 99940, MedGen C1847823, MONDO:0011687, OMIM 606595.
Neuronopathy, distal hereditary motor, type 2B. Also called: HMN IIB; NEURONOPATHY, DISTAL HEREDITARY MOTOR, AUTOSOMAL DOMINANT 3; NEURONOPATHY, DISTAL HEREDITARY MOTOR, HARDING TYPE IIB; NEUROPATHY, DISTAL HEREDITARY MOTOR, HARDING TYPE IIB. Identifiers: Orphanet 139525, MedGen C2608087, MONDO:0012080, OMIM 608634.

Submissions (6):

CeGaT Center for Human Genetics Tuebingen
Classification: Pathogenic. Last evaluated: 2026-06-01. Review status: criteria provided, single submitter. Criteria: CeGaT Center For Human Genetics Tuebingen Variant Classification Criteria Version 2. Collection method: clinical testing. Allele origin: germline. Affected: yes. Observed: 4 variant alleles.
Comment: HSPB1: PP1:Strong, PS4, PM1, PM2

Labcorp Genetics (formerly Invitae), Labcorp
Classification: Pathogenic for Charcot-Marie-Tooth disease axonal type 2F. Last evaluated: 2025-05-07. Review status: criteria provided, single submitter. Criteria: Invitae Variant Classification Sherloc (09022015). Collection method: clinical testing. Allele origin: germline.
Comment: This sequence change replaces threonine, which is neutral and polar, with isoleucine, which is neutral and non-polar, at codon 151 of the HSPB1 protein (p.Thr151Ile). This variant is not present in population databases (gnomAD no frequency). This missense change has been observed in individuals with distal hereditary motor neuropathy or Charcot-Marie-Tooth disease (PMID: 15122254, 18325928, 28144995, 29381233). It has also been observed to segregate with disease in related individuals. ClinVar contains an entry for this variant (Variation ID: 7480). Invitae Evidence Modeling of protein sequence and biophysical properties (such as structural, functional, and spatial information, amino acid conservation, physicochemical variation, residue mobility, and thermodynamic stability) has been performed for this missense variant. However, the output from this modeling did not meet the statistical confidence thresholds required to predict the impact of this variant on HSPB1 protein function. For these reasons, this variant has been classified as Pathogenic.

Molecular Genetics Laboratory, London Health Sciences Centre
Classification: Likely pathogenic for Charcot-Marie-Tooth disease. Last evaluated: 2024-08-21. Review status: criteria provided, single submitter. Criteria: ACMG Guidelines, 2015. Collection method: clinical testing. Allele origin: germline. Inheritance: Autosomal dominant inheritance. Affected: yes.

Blueprint Genetics
Classification: Likely pathogenic for HSPB1-related disorders. Last evaluated: 2023-04-17. Review status: criteria provided, single submitter. Criteria: ACMG Guidelines, 2015. Collection method: clinical testing. Allele origin: germline. Affected: yes. Observed: 3 variant alleles.

Kariminejad - Najmabadi Pathology & Genetics Center
Classification: Pathogenic for Neuronopathy, distal hereditary motor, type 2B. Last evaluated: 2023-02-22. Review status: criteria provided, single submitter. Criteria: ACMG Guidelines, 2015. Collection method: clinical testing. Allele origin: germline. Inheritance: Autosomal dominant inheritance. Affected: yes.
Comment: [PM2 PP3 PP5]+PM1+PM2??

OMIM
Classification: Pathogenic for NEURONOPATHY, DISTAL HEREDITARY MOTOR, AUTOSOMAL DOMINANT 3. Last evaluated: 2004-06-01. Review status: no assertion criteria provided. Collection method: literature only. Allele origin: germline. Not counted in ClinVar's aggregate classification.

Literature cited by the submitters: PubMed 15122254 (cited by 3 submitters); PubMed 18325928 (cited by Labcorp Genetics (formerly Invitae), Labcorp and Molecular Genetics Laboratory, London Health Sciences Centre); PubMed 28144995 (cited by Labcorp Genetics (formerly Invitae), Labcorp); PubMed 29381233 (cited by Labcorp Genetics (formerly Invitae), Labcorp and Molecular Genetics Laboratory, London Health Sciences Centre); PubMed 2814495 (cited by Molecular Genetics Laboratory, London Health Sciences Centre); PubMed 20178975 (cited by Molecular Genetics Laboratory, London Health Sciences Centre); PubMed 22031878 (cited by Molecular Genetics Laboratory, London Health Sciences Centre).